The following is an entry in ClinVar:

ClinVar aggregate classification (germline): Likely pathogenic (1 of 4 stars; one submission).

Conditions:
Peroxisome biogenesis disorder. Identifiers: Orphanet 79189, MedGen C1832200, MONDO:0019234. Disease mechanism: loss of function.

Submission:

Myriad Genetics, Inc.
Classification: Likely pathogenic for Peroxisome biogenesis disorder. Last evaluated: 2022-03-01. Review status: criteria provided, single submitter. Criteria: Myriad Autosomal Dominant, Autosomal Recessive and X-Linked Classification Criteria (2023). Collection method: clinical testing. Allele origin: unknown.
Comment: NM_153818.1(PEX10):c.445_452del8(T149Pfs*3) is expected to be pathogenic in the context of peroxisome biogenesis disorder type 6. This variant is predicted to lead to an abnormal or absent protein product due to the creation of a premature termination codon in PEX10, a gene where loss-of-function variants are known to be pathogenic. Please note: this variant was assessed in the context of healthy population screening.

NM_002617.4(PEX10):c.445_452del (p.Thr149fs)

Gene: PEX10 (peroxisomal biogenesis factor 10; minus strand). Cytogenetic location: 1p36.32.
Variant type: Deletion.
Coding change: c.445_452del on transcript NM_002617.4 (MANE Select); coding-DNA positions 445 to 452, 8 bases deleted (ACGGCCAC; older notation c.445_452delACGGCCAC).
Protein change: p.Thr149fs; shifts the reading frame from threonine 149.
Molecular consequence: frameshift variant. On other transcripts: non-coding transcript variant (1).
Genome position (GRCh38, 1-based): chr1:2,408,600-2,408,607, GTGGCCGT deleted on the plus strand (ACGGCCAC on the coding strand, the reverse complement: PEX10 is on the minus strand); deleting any 8 consecutive bases within chr1:2,408,600-2,408,611 gives the same sequence; the c. name uses the placement nearest the transcript's 3' end. VCF-style (leftmost placement, unchanged base first): chr1-2408599-GGTGGCCGT-G. GRCh37 (hg19) VCF-style: chr1-2340038-GGTGGCCGT-G.
Other names: c.445_452del, p.Thr149fs (NM_001374425.1, NM_153818.2); c.13_20del, p.Thr5fs (NM_001374426.1, NM_001374427.1); short protein forms T149fs, T5fs.
Identifiers: ClinVar variation 1724832 (VCV001724832.3), dbSNP rs2522276946, ClinGen allele CA2580062500.